The following is an entry in ClinVar:

ClinVar aggregate classification (germline): Uncertain significance. Review status: criteria provided, multiple submitters, no conflicts (2 of 4 stars). 3 submissions from 3 submitters: Uncertain significance (3). Last evaluated 2025-07-14.

Conditions:
Cardiomyopathy (CMYO). Also called: Cardiomyopathies. Identifiers: Orphanet 167848, MedGen C0878544, MONDO:0004994, HP:0001638. Inheritance: Various modes of inheritance.
Hypertrophic cardiomyopathy. Also called: HYPERTROPHIC MYOCARDIOPATHY. Identifiers: Orphanet 217569, MedGen C0007194, MeSH D002312, MONDO:0005045, HP:0001639.

Allele frequency attached by ClinVar (database versions not stated): TOPMed 0.00001.

Submissions (3):

Color Diagnostics, LLC DBA Color Health
Classification: Uncertain significance for Cardiomyopathy. Last evaluated: 2025-07-14. Review status: criteria provided, single submitter. Criteria: ACMG Guidelines, 2015. Collection method: clinical testing. Allele origin: germline.
Comment: This missense variant replaces asparagine with serine at codon 1436 of the MYH7 protein. Computational prediction is inconclusive regarding the impact of this variant on protein structure and function. To our knowledge, functional studies have not been reported for this variant. This variant has not been reported in individuals affected with MYH7-related disorders in the literature. This variant has not been identified in the general population by the Genome Aggregation Database (gnomAD). The available evidence is insufficient to determine the role of this variant in disease conclusively. Therefore, this variant is classified as a Variant of Uncertain Significance.

GeneDx
Classification: Uncertain significance. Last evaluated: 2024-07-01. Review status: criteria provided, single submitter. Criteria: GeneDx Variant Classification Process June 2021. Collection method: clinical testing. Allele origin: germline. Affected: yes.
Comment: Reported in an individual without a diagnosis of HCM or a muscle disease; however, further clinical information was not provided (PMID: 34542152); Not observed at significant frequency in large population cohorts (gnomAD); In silico analysis supports that this missense variant has a deleterious effect on protein structure/function; This variant is associated with the following publications: (PMID: 34542152)

Labcorp Genetics (formerly Invitae), Labcorp
Classification: Uncertain significance for Hypertrophic cardiomyopathy. Last evaluated: 2024-01-29. Review status: criteria provided, single submitter. Criteria: Invitae Variant Classification Sherloc (09022015). Collection method: clinical testing. Allele origin: germline.
Comment: This sequence change replaces asparagine, which is neutral and polar, with serine, which is neutral and polar, at codon 1436 of the MYH7 protein (p.Asn1436Ser). This variant is not present in population databases (gnomAD no frequency). This variant has not been reported in the literature in individuals affected with MYH7-related conditions. ClinVar contains an entry for this variant (Variation ID: 954891). Advanced modeling of protein sequence and biophysical properties (such as structural, functional, and spatial information, amino acid conservation, physicochemical variation, residue mobility, and thermodynamic stability) performed at Invitae indicates that this missense variant is expected to disrupt MYH7 protein function with a positive predictive value of 95%. In summary, the available evidence is currently insufficient to determine the role of this variant in disease. Therefore, it has been classified as a Variant of Uncertain Significance.

NM_000257.4(MYH7):c.4307A>G (p.Asn1436Ser)

Genes: MHRT (myosin heavy chain associated RNA transcript; plus strand), MYH7 (myosin heavy chain 7; minus strand). Cytogenetic location: 14q11.2.
Variant type: single nucleotide variant.
Coding change: c.4307A>G on transcript NM_000257.4 (MANE Select); coding-DNA position 4307, A replaced by G.
Protein change: p.Asn1436Ser; replaces asparagine 1436 with serine.
Molecular consequence: missense variant. On other transcripts: non-coding transcript variant (1).
Genome position (GRCh38, 1-based): chr14:23,417,549, T>C on the plus strand (A>G on the coding strand, the complement: MYH7 is on the minus strand). VCF-style: chr14-23417549-T-C. GRCh37 (hg19) VCF-style: chr14-23886758-T-C.
Other names: c.4307A>G (NM_000257.2); short protein forms N1436S.
Identifiers: ClinVar variation 954891 (VCV000954891.10), dbSNP rs1489767429, ClinGen allele CA389040150.
Genomic context (GRCh38, chr14:23,417,549, plus strand): 5'-CACCCAGGGCCCACCTTGTCGAAGTTCCTCTGCTTCTTGTCCAGGGCTGCAGCAGCAGCA[T>C]TGGAGCGCTCTACGTCCACCATCAAGTCCTCGATCTCATTCTGTAGCCGGTGCTTGGTCT-3'
Protein context (NP_000248.2, residues 1426-1446): EDLMVDVERS[Asn1436Ser]AAAAALDKKQ